The following continues an entry in ClinVar:

NM_007294.4(BRCA1):c.5470_5477del

Gene: BRCA1. ClinVar aggregate classification (germline): Pathogenic. Pathogenic (1).

Submissions 11 to 13 of 13:

Consortium of Investigators of Modifiers of BRCA1/2 (CIMBA), c/o University of Cambridge
Classification: Pathogenic for Breast-ovarian cancer, familial, susceptibility to, 1. Last evaluated: 2015-10-02. Review status: criteria provided, single submitter. Criteria: CIMBA Mutation Classification guidelines May 2016. Collection method: clinical testing. Allele origin: germline. Not counted in ClinVar's aggregate classification.

Juno Genomics, Hangzhou Juno Genomics, Inc
Classification: Pathogenic for Breast-ovarian cancer, familial, susceptibility to, 1; Pancreatic cancer, susceptibility to, 4; Fanconi anemia, complementation group S. Review status: criteria provided, single submitter. Criteria: ACMG Guidelines, 2015. Collection method: clinical testing. Allele origin: germline. Not counted in ClinVar's aggregate classification.
Comment: Absent from controls (or at extremely low frequency if recessive) in Genome Aggregation Database.;Null variant in a gene where loss of function (LOF) is a known mechanism of disease.;Novel missense change at an amino acid residue where a different missense change determined to be pathogenic has been seen before.;The prevalence of the variant in affected individuals is significantly increased compared to the prevalence in controls.

Breast Cancer Information Core (BIC) (BRCA1)
Classification: Pathogenic for Breast-ovarian cancer, familial 1. Last evaluated: 2002-06-20. Review status: no assertion criteria provided. Collection method: clinical testing. Allele origin: germline. Affected: yes. Observed: 2 variant alleles. Not counted in ClinVar's aggregate classification.

Literature cited by the submitters: PubMed 15117986 (cited by 3 submitters); PubMed 16455195 (cited by 3 submitters); PubMed 25366075 (cited by 3 submitters); PubMed 25863477 (cited by 3 submitters); PubMed 26824983 (cited by Labcorp Genetics (formerly Invitae), Labcorp and Quest Diagnostics Nichols Institute San Juan Capistrano); PubMed 26848529 (cited by Labcorp Genetics (formerly Invitae), Labcorp); PubMed 26852015 (cited by Labcorp Genetics (formerly Invitae), Labcorp and Quest Diagnostics Nichols Institute San Juan Capistrano); PubMed 27257965 (cited by 4 submitters); PubMed 8554067 (cited by Labcorp Genetics (formerly Invitae), Labcorp); PubMed 16683254 (cited by Labcorp Genetics (formerly Invitae), Labcorp); PubMed 24504028 (cited by Labcorp Genetics (formerly Invitae), Labcorp); PubMed 17851763 (cited by Ambry Genetics and Quest Diagnostics Nichols Institute San Juan Capistrano); PubMed 18512148 (cited by Ambry Genetics and Quest Diagnostics Nichols Institute San Juan Capistrano); PubMed 22798144 (cited by 3 submitters); PubMed 31908633 (cited by Ambry Genetics); PubMed 31957001 (cited by Ambry Genetics); PubMed 32318955 (cited by Ambry Genetics); PubMed 17680524 (cited by Quest Diagnostics Nichols Institute San Juan Capistrano); PubMed 16515586 (cited by Quest Diagnostics Nichols Institute San Juan Capistrano); PubMed 17922413 (cited by Quest Diagnostics Nichols Institute San Juan Capistrano); PubMed 28294317 (cited by Quest Diagnostics Nichols Institute San Juan Capistrano); PubMed 14576432 (cited by 3DMed Clinical Laboratory Inc); PubMed 824983 (cited by 3DMed Clinical Laboratory Inc); PubMed 6455195 (cited by 3DMed Clinical Laboratory Inc); PubMed 6848529 (cited by 3DMed Clinical Laboratory Inc); PubMed 6852015 (cited by 3DMed Clinical Laboratory Inc); PubMed 7257965 (cited by 3DMed Clinical Laboratory Inc); PubMed 7680524 (cited by 3DMed Clinical Laboratory Inc); PubMed 3175448 (cited by 3DMed Clinical Laboratory Inc).